The following is an entry in ClinVar:

NM_020335.3(VANGL2):c.971G>A (p.Arg324Gln)

Gene: VANGL2 (VANGL planar cell polarity protein 2; plus strand). Cytogenetic location: 1q23.2.
Variant type: single nucleotide variant.
Coding change: c.971G>A on transcript NM_020335.3 (MANE Select); coding-DNA position 971, G replaced by A.
Protein change: p.Arg324Gln; replaces arginine 324 with glutamine.
Molecular consequence: missense variant.
Genome position (GRCh38, 1-based): chr1:160,421,085, G>A. VCF-style: chr1-160421085-G-A. GRCh37 (hg19) VCF-style: chr1-160390875-G-A.
Other names: short protein forms R324Q.
Identifiers: ClinVar variation 449844 (VCV000449844.2), dbSNP rs199788326, ClinGen allele CA1199574.

ClinVar aggregate classification (germline): Uncertain significance (1 of 4 stars; one submission).

Allele frequency attached by ClinVar (database versions not stated): ExAC 0.00001; gnomAD 0.00001; gnomAD exomes 0.00001.
gnomAD v4.1: 19 of 1,613,986 alleles (0.0012%); highest among the groups gnomAD compares: Admixed American, 0.0017%; no homozygotes.

Submission:

GeneDx
Classification: Uncertain significance. Last evaluated: 2017-01-29. Review status: criteria provided, single submitter. Criteria: GeneDx Variant Classification (06012015). Collection method: clinical testing. Allele origin: germline. Affected: yes.
Comment: The R324Q variant in the VANGL2 gene has not been reported previously as a pathogenic variant, nor as a benign variant, to our knowledge. The R324Q variant is not observed at a significant frequency in large population cohorts (Lek et al., 2016; 1000 Genomes Consortium et al., 2015; Exome Variant Server). The R324Q variant is a semi-conservative amino acid substitution, which may impact secondary protein structure as these residues differ in some properties. This substitution occurs at a position that is conserved across species. In silico analysis predicts this variant is probably damaging to the protein structure/function. We interpret R324Q as a variant of uncertain significance.